The following is an entry in ClinVar:

ClinVar aggregate classification (germline): Uncertain significance. Review status: criteria provided, multiple submitters, no conflicts (2 of 4 stars). 2 submissions from 2 submitters: Uncertain significance (2). Last evaluated 2025-10-02.

Conditions:
Tumor predisposition syndrome 3 (TPDS3). Also called: Glioma susceptibility 9; LONG TELOMERE SYNDROME, POT1-RELATED; POT1 Tumor Predisposition; Melanoma, cutaneous malignant, susceptibility to, 10. Identifiers: Orphanet 618, MedGen C4014476, MONDO:0014368, OMIM 615848.
Hereditary cancer-predisposing syndrome. Also called: Neoplastic Syndromes, Hereditary; Tumor predisposition; Hereditary Cancer Syndrome; Hereditary neoplastic syndrome. Identifiers: Orphanet 140162, MedGen C0027672, MeSH D009386, MONDO:0015356.

Submissions (2):

Ambry Genetics
Classification: Uncertain significance for Hereditary cancer-predisposing syndrome. Last evaluated: 2025-10-02. Review status: criteria provided, single submitter. Criteria: Ambry Variant Classification Scheme 2023. Collection method: clinical testing. Allele origin: germline.
Comment: The p.D284N variant (also known as c.850G>A), located in coding exon 6 of the POT1 gene, results from a G to A substitution at nucleotide position 850. The aspartic acid at codon 284 is replaced by asparagine, an amino acid with highly similar properties. This amino acid position is conserved. In addition, this alteration is predicted to be tolerated by in silico analysis. Based on the available evidence, the clinical significance of this variant remains unclear.

Labcorp Genetics (formerly Invitae), Labcorp
Classification: Uncertain significance for Tumor predisposition syndrome 3. Last evaluated: 2024-09-18. Review status: criteria provided, single submitter. Criteria: Invitae Variant Classification Sherloc (09022015). Collection method: clinical testing. Allele origin: germline.
Comment: This sequence change replaces aspartic acid, which is acidic and polar, with asparagine, which is neutral and polar, at codon 284 of the POT1 protein (p.Asp284Asn). This variant is not present in population databases (gnomAD no frequency). This variant has not been reported in the literature in individuals affected with POT1-related conditions. Invitae Evidence Modeling of protein sequence and biophysical properties (such as structural, functional, and spatial information, amino acid conservation, physicochemical variation, residue mobility, and thermodynamic stability) indicates that this missense variant is not expected to disrupt POT1 protein function with a negative predictive value of 80%. In summary, the available evidence is currently insufficient to determine the role of this variant in disease. Therefore, it has been classified as a Variant of Uncertain Significance.

NM_015450.3(POT1):c.850G>A (p.Asp284Asn)

Gene: POT1 (protection of telomeres 1; minus strand). Cytogenetic location: 7q31.33.
Variant type: single nucleotide variant.
Coding change: c.850G>A on transcript NM_015450.3 (MANE Select); coding-DNA position 850, G replaced by A.
Protein change: p.Asp284Asn; replaces aspartic acid 284 with asparagine.
Molecular consequence: missense variant. On other transcripts: non-coding transcript variant (3).
Genome position (GRCh38, 1-based): chr7:124,852,991, C>T on the plus strand (G>A on the coding strand, the complement: POT1 is on the minus strand). VCF-style: chr7-124852991-C-T. GRCh37 (hg19) VCF-style: chr7-124493045-C-T.
Other names: c.850G>A (NM_015450.2); c.457G>A, p.Asp153Asn (NM_001042594.2); short protein forms D153N, D284N.
Identifiers: ClinVar variation 3719080 (VCV003719080.3).